The following is an entry in ClinVar:

ClinVar aggregate classification (germline): Benign (0 of 4 stars; one submission).

Conditions:
MYOM2-related disorder. Also called: MYOM2-related condition.

Allele frequency attached by ClinVar (database versions not stated): ExAC 0.00218; gnomAD 0.00642; TOPMed 0.00688; ESP Exome Variant Server 0.00730; 1000 Genomes Project 0.00839; 1000 Genomes Project 30x 0.00906.
gnomAD v4.1: 1,873 of 1,613,002 alleles (0.12%); highest among the groups gnomAD compares: African/African-American, 2.2%; 17 homozygotes.

Submission:

PreventionGenetics, part of Exact Sciences
Classification: Benign for MYOM2-related condition. Last evaluated: 2019-11-13. Review status: no assertion criteria provided. Collection method: clinical testing. Allele origin: germline.
Comment: This variant is classified as benign based on ACMG/AMP sequence variant interpretation guidelines (Richards et al. 2015 PMID: 25741868, with internal and published modifications).

NM_003970.4(MYOM2):c.2356G>A (p.Ala786Thr)

Gene: MYOM2 (myomesin 2; plus strand). Cytogenetic location: 8p23.3.
Variant type: single nucleotide variant.
Coding change: c.2356G>A on transcript NM_003970.4 (MANE Select); coding-DNA position 2356, G replaced by A.
Protein change: p.Ala786Thr; replaces alanine 786 with threonine.
Molecular consequence: missense variant.
Genome position (GRCh38, 1-based): chr8:2,098,899, G>A. VCF-style: chr8-2098899-G-A. GRCh37 (hg19) VCF-style: chr8-2046729-G-A.
Other names: short protein forms A786T.
Identifiers: ClinVar variation 3037853 (VCV003037853.2), dbSNP rs79360172, ClinGen allele CA170457738.
Genomic context (GRCh38, chr8:2,098,899, plus strand): 5'-TAAACAAAATCTGAATAGGTGGACGGCTTGACGGAAGGCTCACTCTACGAGTTCAAAATC[G>A]CCGCCGTCAACCTGGCCGGCATCGGGGAGCCCTCAGATCCCAGTGAGCACTTCAAGTGTG-3'
Protein context (NP_003961.3, residues 776-796): TEGSLYEFKI[Ala786Thr]AVNLAGIGEP